The following is an entry in ClinVar:

ClinVar aggregate classification (germline): Uncertain significance (1 of 4 stars; one submission).

Conditions:
Arrhythmogenic right ventricular dysplasia 8 (ARVD8). Also called: Arrhythmogenic Right Ventricular Dysplasia/Cardiomyopathy 8; ARRHYTHMOGENIC RIGHT VENTRICULAR DYSPLASIA, FAMILIAL, 8; ARRHYTHMOGENIC RIGHT VENTRICULAR CARDIOMYOPATHY 8. Identifiers: MedGen C1843896, MONDO:0011831, OMIM 607450.
Arrhythmogenic cardiomyopathy with wooly hair and keratoderma. Also called: PALMOPLANTAR KERATODERMA WITH LEFT VENTRICULAR CARDIOMYOPATHY AND WOOLLY HAIR; Arrhythmogenic cardiomyopathy with woolly hair and keratoderma; Carvajal syndrome; Dilated cardiomyopathy with woolly hair and keratoderma. Identifiers: Orphanet 65282, MedGen C1854063, MONDO:0011581, OMIM 605676.

gnomAD v4.1: 2 of 1,614,140 alleles (0.00012%); highest among the groups gnomAD compares: Non-Finnish European, 0.00017%; no homozygotes.

Submission:

Labcorp Genetics (formerly Invitae), Labcorp
Classification: Uncertain significance for Arrhythmogenic cardiomyopathy with wooly hair and keratoderma; Arrhythmogenic right ventricular dysplasia 8. Last evaluated: 2025-07-27. Review status: criteria provided, single submitter. Criteria: Invitae Variant Classification Sherloc (09022015). Collection method: clinical testing. Allele origin: germline.
Comment: This sequence change replaces asparagine, which is neutral and polar, with isoleucine, which is neutral and non-polar, at codon 2139 of the DSP protein (p.Asn2139Ile). This variant is not present in population databases (gnomAD no frequency). This variant has not been reported in the literature in individuals affected with DSP-related conditions. An algorithm developed to predict the effect of missense changes on protein structure and function (PolyPhen-2) suggests that this variant is likely to be disruptive. In summary, the available evidence is currently insufficient to determine the role of this variant in disease. Therefore, it has been classified as a Variant of Uncertain Significance.

NM_004415.4(DSP):c.6416A>T (p.Asn2139Ile)

Gene: DSP (desmoplakin; plus strand). Cytogenetic location: 6p24.3.
Variant type: single nucleotide variant.
Coding change: c.6416A>T on transcript NM_004415.4 (MANE Select); coding-DNA position 6416, A replaced by T.
Protein change: p.Asn2139Ile; replaces asparagine 2139 with isoleucine.
Molecular consequence: missense variant.
Genome position (GRCh38, 1-based): chr6:7,583,678, A>T. VCF-style: chr6-7583678-A-T. GRCh37 (hg19) VCF-style: chr6-7583911-A-T.
Other names: c.4619A>T, p.Asn1540Ile (NM_001008844.3); c.5087A>T, p.Asn1696Ile (NM_001319034.2); short protein forms N1540I, N2139I, N1696I.
Identifiers: ClinVar variation 4783497 (VCV004783497.1).
Genomic context (GRCh38, chr6:7,583,678, plus strand): 5'-AAACCGGAATGCGCCTGCTGGAAGCCCAGATTGCTTCAGGGGGTGTAGTAGACCCTGTGA[A>T]CAGTGTCTTTTTGCCAAAAGATGTCGCCTTGGCCCGGGGGCTGATTGATAGAGATTTGTA-3'
Protein context (NP_004406.2, residues 2129-2149): IASGGVVDPV[Asn2139Ile]SVFLPKDVAL